The following is an entry in ClinVar:

NM_022132.5(MCCC2):c.433T>C (p.Tyr145His)

Gene: MCCC2 (methylcrotonyl-CoA carboxylase subunit 2; plus strand). Cytogenetic location: 5q13.2.
Variant type: single nucleotide variant.
Coding change: c.433T>C on transcript NM_022132.5 (MANE Select); coding-DNA position 433, T replaced by C.
Protein change: p.Tyr145His; replaces tyrosine 145 with histidine.
Molecular consequence: missense variant.
Genome position (GRCh38, 1-based): chr5:71,602,555, T>C. VCF-style: chr5-71602555-T-C. GRCh37 (hg19) VCF-style: chr5-70898382-T-C.
Other names: c.433T>C, p.Tyr145His (NM_001363147.1); short protein forms Y145H.
Identifiers: ClinVar variation 905571 (VCV000905571.6), dbSNP rs1745481314, ClinGen allele CA360010532.

ClinVar aggregate classification (germline): Uncertain significance. Review status: criteria provided, multiple submitters, no conflicts (2 of 4 stars). 3 submissions from 3 submitters: Uncertain significance (3). Last evaluated 2025-11-24.

Conditions:
3-methylcrotonyl-CoA carboxylase 2 deficiency. Also called: METHYLCROTONYLGLYCINURIA, TYPE II; 3 alpha methylcrotonyl-CoA carboxylase 2 deficiency; 3 alpha methylcrotonylglycinuria 2; MCC 2 deficiency; Methylcrotonylglycinuria type 2. Identifiers: Orphanet 6, MedGen C1859499, MONDO:0008862, OMIM 210210.

Allele frequency attached by ClinVar (database versions not stated): gnomAD exomes below 0.00001.
gnomAD v4.1: 1 of 1,614,188 alleles (0.000062%); highest among the groups gnomAD compares: Non-Finnish European, 0.000085%; no homozygotes.

Submissions (3):

Myriad Genetics, Inc.
Classification: Uncertain significance for 3-methylcrotonyl-CoA carboxylase 2 deficiency. Last evaluated: 2025-11-24. Review status: criteria provided, single submitter. Criteria: Myriad Autosomal Dominant, Autosomal Recessive and X-Linked Classification Criteria (2023). Collection method: clinical testing. Allele origin: unknown.
Comment: NM_022132.4(MCCC2):c.433T>C(Y145H) is a missense variant classified as a variant of uncertain significance in the context of 3-methylcrotonyl-CoA carboxylase deficiency, MCCC2-related. Y145H has been observed in a case with relevant disease (PMID: 27033733). Relevant functional assessments of this variant are not available in the literature. Y145H has not been observed in referenced population frequency databases. In summary, there is insufficient evidence to classify NM_022132.4(MCCC2):c.433T>C(Y145H) as pathogenic or benign. Please note: this variant was assessed in the context of healthy population screening.

Fulgent Genetics
Classification: Uncertain significance for 3-methylcrotonyl-CoA carboxylase 2 deficiency. Last evaluated: 2021-11-08. Review status: criteria provided, single submitter. Criteria: ACMG Guidelines, 2015. Collection method: clinical testing. Allele origin: unknown.

Illumina Laboratory Services, Illumina
Classification: Uncertain significance for 3-methylcrotonyl-CoA carboxylase 2 deficiency. Last evaluated: 2017-04-28. Review status: criteria provided, single submitter. Criteria: ICSL Variant Classification Criteria 13 December 2019. Collection method: clinical testing. Allele origin: germline.

Literature cited by the submitters: PubMed 27033733 (cited by Myriad Genetics, Inc.).